The following is an entry in ClinVar:

NM_020745.4(AARS2):c.217C>G (p.Leu73Val)

Gene: AARS2 (alanyl-tRNA synthetase 2, mitochondrial; minus strand). Cytogenetic location: 6p21.1.
Variant type: single nucleotide variant.
Coding change: c.217C>G on transcript NM_020745.4 (MANE Select); coding-DNA position 217, C replaced by G.
Protein change: p.Leu73Val; replaces leucine 73 with valine.
Molecular consequence: missense variant.
Genome position (GRCh38, 1-based): chr6:44,313,107, G>C on the plus strand (C>G on the coding strand, the complement: AARS2 is on the minus strand). VCF-style: chr6-44313107-G-C. GRCh37 (hg19) VCF-style: chr6-44280844-G-C.
Other names: short protein forms L73V.
Identifiers: ClinVar variation 1906448 (VCV001906448.6), dbSNP rs778967074, ClinGen allele CA3834724.

ClinVar aggregate classification (germline): Uncertain significance. Review status: criteria provided, multiple submitters, no conflicts (2 of 4 stars). 2 submissions from 2 submitters: Uncertain significance (2). Last evaluated 2023-11-03.

Conditions:
Inborn genetic diseases. Identifiers: MedGen C0950123, MeSH D030342.

Allele frequency attached by ClinVar (database versions not stated): ExAC 0.00001; gnomAD 0.00001; gnomAD exomes 0.00001; TOPMed 0.00002.
gnomAD v4.1: 18 of 1,613,304 alleles (0.0011%); highest among the groups gnomAD compares: Non-Finnish European, 0.0014%; 1 homozygote.

Submissions (2):

Ambry Genetics
Classification: Uncertain significance for Inborn genetic diseases. Last evaluated: 2023-11-03. Review status: criteria provided, single submitter. Criteria: Ambry Variant Classification Scheme 2023. Collection method: clinical testing. Allele origin: germline.

Labcorp Genetics (formerly Invitae), Labcorp
Classification: Uncertain significance. Last evaluated: 2022-10-21. Review status: criteria provided, single submitter. Criteria: Invitae Variant Classification Sherloc (09022015). Collection method: clinical testing. Allele origin: germline.
Comment: This variant is present in population databases (rs778967074, gnomAD 0.004%). This sequence change replaces leucine, which is neutral and non-polar, with valine, which is neutral and non-polar, at codon 73 of the AARS2 protein (p.Leu73Val). This variant has not been reported in the literature in individuals affected with AARS2-related conditions. In summary, the available evidence is currently insufficient to determine the role of this variant in disease. Therefore, it has been classified as a Variant of Uncertain Significance. Advanced modeling of protein sequence and biophysical properties (such as structural, functional, and spatial information, amino acid conservation, physicochemical variation, residue mobility, and thermodynamic stability) performed at Invitae indicates that this missense variant is expected to disrupt AARS2 protein function.